The following is an entry in ClinVar:

ClinVar aggregate classification (germline): Uncertain significance (1 of 4 stars; one submission).

Conditions:
Immunodeficiency 35 (IMD35). Also called: TYK2 DEFICIENCY; Susceptibility to infection due to TYK2 deficiency; HIES WITH ATYPICAL MYCOBACTERIOSIS, AUTOSOMAL RECESSIVE; HYPER-IgE SYNDROME WITH ATYPICAL MYCOBACTERIOSIS, AUTOSOMAL RECESSIVE. Identifiers: Orphanet 331226, MedGen C1969086, MONDO:0012682, OMIM 611521.

Allele frequency attached by ClinVar (database versions not stated): gnomAD exomes below 0.00001 and 0.00001; ExAC 0.00001.
gnomAD v4.1: 10 of 1,613,878 alleles (0.00062%); highest among the groups gnomAD compares: Non-Finnish European, 0.00085%; no homozygotes.

Submission:

Labcorp Genetics (formerly Invitae), Labcorp
Classification: Uncertain significance for Immunodeficiency 35. Last evaluated: 2021-03-24. Review status: criteria provided, single submitter. Criteria: Invitae Variant Classification Sherloc (09022015). Collection method: clinical testing. Allele origin: germline.
Comment: This sequence change replaces asparagine with histidine at codon 560 of the TYK2 protein (p.Asn560His). The asparagine residue is highly conserved and there is a small physicochemical difference between asparagine and histidine. This variant is present in population databases (rs758279947, ExAC 0.002%). This variant has not been reported in the literature in individuals with TYK2-related conditions. Algorithms developed to predict the effect of missense changes on protein structure and function are either unavailable or do not agree on the potential impact of this missense change (SIFT: "Not Available"; PolyPhen-2: "Probably Damaging"; Align-GVGD: "Not Available"). In summary, the available evidence is currently insufficient to determine the role of this variant in disease. Therefore, it has been classified as a Variant of Uncertain Significance.

NM_003331.5(TYK2):c.1678A>C (p.Asn560His)

Gene: TYK2 (tyrosine kinase 2; minus strand). Cytogenetic location: 19p13.2.
Variant type: single nucleotide variant.
Coding change: c.1678A>C on transcript NM_003331.5 (MANE Select); coding-DNA position 1678, A replaced by C.
Protein change: p.Asn560His; replaces asparagine 560 with histidine.
Molecular consequence: missense variant.
Genome position (GRCh38, 1-based): chr19:10,362,173, T>G on the plus strand (A>C on the coding strand, the complement: TYK2 is on the minus strand). VCF-style: chr19-10362173-T-G. GRCh37 (hg19) VCF-style: chr19-10472849-T-G.
Other names: c.1678A>C, p.Asn560His (NM_001385197.1, NM_001385198.1, NM_001385199.1 and 5 more transcripts); c.1480A>C, p.Asn494His (NM_001385201.1); c.1588A>C, p.Asn530His (NM_001385205.1); c.1552A>C, p.Asn518His (NM_001385206.1); short protein forms N494H, N530H, N560H, N518H.
Identifiers: ClinVar variation 1385417 (VCV001385417.6), dbSNP rs758279947, ClinGen allele CA9193335.
Genomic context (GRCh38, chr19:10,362,173, plus strand): 5'-TGAGCTGGCTGAGGTTGAGTGTCCTGGGGCTGGCCCGAGCCCCCCGCATGATGATGAGAT[T>G]GGAGGTTTCTGGGGGCAGGCATCAAGTCATGGAGGGCGGGCCTGGGGGAGAGATGCCACA-3'
Protein context (NP_003322.3, residues 550-570): CCLPQPGETS[Asn560His]LIIMRGARAS